The following is an entry in ClinVar:

ClinVar aggregate classification (germline): Pathogenic/Likely pathogenic. Review status: criteria provided, multiple submitters, no conflicts (2 of 4 stars). 22 submissions from 22 submitters: Pathogenic (13); Likely pathogenic (3). 6 of the submissions do not count toward it. Last evaluated 2026-04-26.

Conditions:
Intellectual disability, autosomal recessive 53 (NEDHSCA). Also called: GLYCOSYLPHOSPHATIDYLINOSITOL BIOSYNTHESIS DEFECT 13; Mental retardation, autosomal recessive 53; NEURODEVELOPMENTAL DISORDER WITH OR WITHOUT HYPOTONIA, SEIZURES, AND CEREBELLAR ATROPHY. Identifiers: Orphanet 488635, MedGen C4310794, MONDO:0014832, OMIM 616917.
Inborn genetic diseases. Identifiers: MedGen C0950123, MeSH D030342.
BLOOD GROUP, EMM SYSTEM (EMM). Identifiers: MedGen C5676953, OMIM 619812.
PIGG-related disorder. Also called: PIGG-related condition.

Allele frequency attached by ClinVar (database versions not stated): 1000 Genomes Project 30x 0.00031; 1000 Genomes Project 0.00040; TOPMed 0.00059; gnomAD exomes 0.00066; ExAC 0.00072; gnomAD 0.00072 and 0.00073; ESP Exome Variant Server 0.00077.
gnomAD v4.1: 1,719 of 1,614,208 alleles (0.11%); highest among the groups gnomAD compares: Non-Finnish European, 0.14%; 2 homozygotes.

Submissions 1 to 13 of 22:

PreventionGenetics, part of Exact Sciences
Classification: Pathogenic for PIGG-related condition. Last evaluated: 2026-04-26. Review status: criteria provided, single submitter. Criteria: ACMG Guidelines, 2015. Collection method: clinical testing. Allele origin: germline.
Comment: The PIGG c.1515G>A variant is predicted to result in premature protein termination (p.Trp505*). This variant has been reported in individuals with PIGG-related disease (Hou et al. 2020. PubMed ID: 31980526. Suppl. data; Tremblay-Laganière et al. 2021. PubMed ID: 34113002). This variant was also reported in the homozygous state or compound heterozygous state in three individuals with motor neuropathy with variable conduction block, childhood tremor, and febrile seizures; with homozygous individuals displaying a more mild phenotype compared to compound heterozygous individuals (Record et al. 2024. PubMed ID: 39444079). Functional analyses indicated that this variant led to decreased protein activity compared to wildtype (Record et al. 2024. PubMed ID: 39444079). This variant is reported in 0.12% of alleles in individuals of European (Non-Finnish) descent in gnomAD. Nonsense variants in PIGG are expected to be pathogenic. This variant is interpreted as pathogenic.

Dasa
Classification: Pathogenic for Intellectual disability, autosomal recessive 53. Last evaluated: 2026-01-27. Review status: criteria provided, single submitter. Criteria: DASA Assertion Criteria. Collection method: clinical testing. Allele origin: germline. Inheritance: Autosomal recessive inheritance. Observed: 1 variant allele.
Comment: NM_001127178.3(PIGG):c.1515G>A (p.Trp505*) introduces a premature termination codon resulting in truncation of the PIGG protein. Loss-of-function is an established mechanism of disease for this gene. This variant has been reported in individuals with autosomal recessive intellectual disability. Based on the available data, this variant is classified as Pathogenic.

GeneDx
Classification: Pathogenic. Last evaluated: 2025-10-21. Review status: criteria provided, single submitter. Criteria: GeneDx Variant Classification Process June 2021. Collection method: clinical testing. Allele origin: germline. Affected: yes.
Comment: Nonsense variant predicted to result in protein truncation or nonsense mediated decay in a gene for which loss of function is a known mechanism of disease; This variant is associated with the following publications: (PMID: 31414351, 31980526, 34113002, 26996948, 34535746, 33921431, 31345219, 31440721, 39444079, 38456468)

Mayo Clinic Laboratories, Mayo Clinic
Classification: Pathogenic. Last evaluated: 2025-08-04. Review status: criteria provided, single submitter. Criteria: ACMG Guidelines, 2015. Collection method: clinical testing. Allele origin: germline. Observed: 1 variant allele.
Comment: PP4, PM3, PVS1

3billion
Classification: Pathogenic for Intellectual disability, autosomal recessive 53. Last evaluated: 2025-07-15. Review status: criteria provided, single submitter. Criteria: ACMG Guidelines, 2015. Collection method: clinical testing. Allele origin: germline. Affected: yes.
Comment: The variant is observed at an extremely low frequency in the gnomAD v4.1.0 dataset (total allele frequency: 0.106%). Predicted Consequence/Location: Stop-gained (nonsense): predicted to result in a loss or disruption of normal protein function through nonsense-mediated decay (NMD) or protein truncation. Multiple pathogenic variants are reported downstream of the variant. The variant has been reported at least twice as pathogenic with clinical assertions and evidence for the classification (ClinVar ID: VCV000476318). Therefore, this variant is classified as Pathogenic according to the recommendation of ACMG/AMP guideline.

CeGaT Center for Human Genetics Tuebingen
Classification: Pathogenic. Last evaluated: 2025-06-01. Review status: criteria provided, single submitter. Criteria: CeGaT Center For Human Genetics Tuebingen Variant Classification Criteria Version 2. Collection method: clinical testing. Allele origin: germline. Affected: yes. Observed: 5 variant alleles.
Comment: PIGG: PVS1, PM3, PM2:Supporting

Revvity Omics, Revvity
Classification: Likely pathogenic. Last evaluated: 2025-02-21. Review status: criteria provided, single submitter. Criteria: ACMG Guidelines, 2015. Collection method: clinical testing. Allele origin: germline.

Labcorp Genetics (formerly Invitae), Labcorp
Classification: Pathogenic for Intellectual disability, autosomal recessive 53. Last evaluated: 2025-01-27. Review status: criteria provided, single submitter. Criteria: Invitae Variant Classification Sherloc (09022015). Collection method: clinical testing. Allele origin: germline.
Comment: This sequence change creates a premature translational stop signal (p.Trp505*) in the PIGG gene. It is expected to result in an absent or disrupted protein product. Loss-of-function variants in PIGG are known to be pathogenic (PMID: 26996948, 28581210, 28771251). This variant is present in population databases (rs150259543, gnomAD 0.1%), and has an allele count higher than expected for a pathogenic variant. This premature translational stop signal has been observed in individual(s) with clinical features of PIGG-related conditions (PMID: 34113002). ClinVar contains an entry for this variant (Variation ID: 476318). For these reasons, this variant has been classified as Pathogenic.

Ambry Genetics
Classification: Pathogenic for Inborn genetic diseases. Last evaluated: 2024-12-04. Review status: criteria provided, single submitter. Criteria: Ambry Variant Classification Scheme 2023. Collection method: clinical testing. Allele origin: germline.
Comment: The c.1515G>A (p.W505*) alteration, located in exon 8 (coding exon 8) of the PIGG gene, consists of a G to A substitution at nucleotide position 1515. This changes the amino acid from a tryptophan (W) to a stop codon at amino acid position 505. This alteration is expected to result in loss of function by premature protein truncation or nonsense-mediated mRNA decay. Based on data from gnomAD, the A allele has an overall frequency of 0.1065% (1719/1614208) total alleles studied. The highest observed frequency was 0.136% (1605/1180030) of European (non-Finnish) alleles. Two homozygotes have been reported in the gnomAD v4.1.0 dataset. This variant has been identified in the homozygous state and/or in conjunction with other PIGG variant(s) in individual(s) with features consistent with PIGG-related glycosylphosphatidylinositol deficiency, sometimes presenting as seizures with developmental delay and sometimes as a milder form of disease characterized by neuropathy. In at least one instance, the variants were identified in trans (Record, 2024; Sidpra, 2024; external communication). The presence of homozygotes in population databases and the variable expressivity may indicate that this variant is associated with reduced penetrance and/or severity compared to other pathogenic PIGG variants. Based on the available evidence, this alteration is classified as pathogenic.

Blueprint Genetics
Classification: Likely pathogenic for PIGG-related disorders. Last evaluated: 2024-11-13. Review status: criteria provided, single submitter. Criteria: ACMG Guidelines, 2015. Collection method: clinical testing. Allele origin: germline. Affected: yes. Observed: 5 variant alleles.

Women's Health and Genetics/Laboratory Corporation of America, LabCorp
Classification: Pathogenic for Intellectual disability, autosomal recessive 53. Last evaluated: 2023-11-21. Review status: criteria provided, single submitter. Criteria: LabCorp Variant Classification Summary - May 2015. Collection method: clinical testing. Allele origin: germline.
Comment: Variant summary: PIGG c.1515G>A (p.Trp505X) results in a premature termination codon, predicted to cause absence of the protein due to nonsense mediated decay, which is a commonly known mechanism for disease. The variant allele was found at a frequency of 0.00066 in 251480 control chromosomes, predominantly at a frequency of 0.0012 within the Non-Finnish European subpopulation in the gnomAD database. c.1515G>A has been reported in the literature in at least one homozygous individual affected with Autism Spectrum Disorder-Asperger type (Arteche-Lopez_2021). The variant was also found in another homozygous individual with seizures and mild clumsiness, although this second individual was too young to evaluate for intellectual disability (Trembley-Laganiere_2021). Ten submitters have cited clinical-significance assessments for this variant to ClinVar after 2014, and classified it as pathogenic (n=7), likely pathogenic (n=2), or likely benign (n=1). Based on the evidence outlined above, the variant was classified as pathogenic.

Greenwood Genetic Center Diagnostic Laboratories, Greenwood Genetic Center
Classification: Likely pathogenic for Intellectual disability, autosomal recessive 53. Last evaluated: 2022-10-03. Review status: criteria provided, single submitter. Criteria: ACMG Guidelines, 2015. Collection method: clinical testing. Allele origin: germline. Affected: yes.
Comment: PVS1, PM3

ARUP Laboratories, Molecular Genetics and Genomics, ARUP Laboratories
Classification: Pathogenic. Last evaluated: 2022-09-13. Review status: criteria provided, single submitter. Criteria: ARUP Molecular Germline Variant Investigation Process 2021. Collection method: clinical testing. Allele origin: germline.

NM_001127178.3(PIGG):c.1515G>A (p.Trp505Ter)

Gene: PIGG (phosphatidylinositol glycan anchor biosynthesis class G (EMM blood group); plus strand). Cytogenetic location: 4p16.3.
Variant type: single nucleotide variant.
Coding change: c.1515G>A on transcript NM_001127178.3 (MANE Select); coding-DNA position 1515, G replaced by A.
Protein change: p.Trp505Ter; replaces tryptophan 505 with a stop codon.
Molecular consequence: nonsense. On other transcripts: 3 prime UTR variant (2), 5 prime UTR variant (2), non-coding transcript variant (10).
Genome position (GRCh38, 1-based): chr4:521,842, G>A. VCF-style: chr4-521842-G-A. GRCh37 (hg19) VCF-style: chr4-515631-G-A.
Other names: p.Trp505*; c.1248G>A, p.Trp416Ter (NM_001289051.2, NM_001289053.2, NM_001345986.2); c.1116G>A, p.Trp372Ter (NM_001289052.2); c.*77G>A (NM_001289055.2); c.*130G>A (NM_001289057.2); c.1224G>A, p.Trp408Ter (NM_001345987.2); c.486G>A, p.Trp162Ter (NM_001345988.2); c.1515G>A, p.Trp505Ter (NM_001345989.2); and 3 more; short protein forms W505*, W139*, W162*, W408*, W497*, W372*, W416*.
Identifiers: ClinVar variation 476318 (VCV000476318.77), dbSNP rs150259543, ClinGen allele CA2793332.